The following is an entry in ClinVar:

NM_032043.3(BRIP1):c.2365G>T (p.Val789Leu)

Gene: BRIP1 (BRCA1 interacting DNA helicase 1; minus strand). Cytogenetic location: 17q23.2.
Variant type: single nucleotide variant.
Coding change: c.2365G>T on transcript NM_032043.3 (MANE Select); coding-DNA position 2365, G replaced by T.
Protein change: p.Val789Leu; replaces valine 789 with leucine.
Molecular consequence: missense variant.
Genome position (GRCh38, 1-based): chr17:61,743,027, C>A on the plus strand (G>T on the coding strand, the complement: BRIP1 is on the minus strand). VCF-style: chr17-61743027-C-A. GRCh37 (hg19) VCF-style: chr17-59820388-C-A.
Other names: short protein forms V789L.
Identifiers: ClinVar variation 234579 (VCV000234579.45), dbSNP rs876661097, ClinGen allele CA10577560.
Genomic context (GRCh38, chr17:61,743,027, plus strand): 5'-ACCAATGACTCCTGTAATAATAAAACTTAAGGTTTTGATGGCCTACCTGTAGATCTTTCA[C>A]ATTTGGAAAAGGAATTCCTATTGTTATGACAGCACGGGCATTGTCATCTGAGAAATCCAG-3'
Protein context (NP_114432.2, residues 779-799): VITIGIPFPN[Val789Leu]KDLQVELKRQ

ClinVar aggregate classification (germline): Uncertain significance. Review status: criteria provided, multiple submitters, no conflicts (2 of 4 stars). 5 submissions from 5 submitters: Uncertain significance (5). Last evaluated 2025-10-26.

Conditions:
Hereditary cancer-predisposing syndrome. Also called: Neoplastic Syndromes, Hereditary; Hereditary Cancer Syndrome; Tumor predisposition; Hereditary neoplastic syndrome. Identifiers: Orphanet 140162, MedGen C0027672, MeSH D009386, MONDO:0015356.
Fanconi anemia complementation group J. Also called: BRIP1-Related Fanconi Anemia. Identifiers: Orphanet 84, MedGen C1836860, MONDO:0012187, OMIM 609054.
Familial cancer of breast. Also called: Hereditary breast cancer; hereditary breast carcinoma; BREAST CANCER, FAMILIAL. Identifiers: Orphanet 227535, MedGen C0346153, MONDO:0016419, OMIM 114480. Disease mechanism: loss of function.

Submissions (5):

Labcorp Genetics (formerly Invitae), Labcorp
Classification: Uncertain significance for Familial cancer of breast; Fanconi anemia complementation group J. Last evaluated: 2025-10-26. Review status: criteria provided, single submitter. Criteria: Invitae Variant Classification Sherloc (09022015). Collection method: clinical testing. Allele origin: germline.
Comment: This sequence change replaces valine, which is neutral and non-polar, with leucine, which is neutral and non-polar, at codon 789 of the BRIP1 protein (p.Val789Leu). This variant is not present in population databases (gnomAD no frequency). This variant has not been reported in the literature in individuals affected with BRIP1-related conditions. ClinVar contains an entry for this variant (Variation ID: 234579). Invitae Evidence Modeling of protein sequence and biophysical properties (such as structural, functional, and spatial information, amino acid conservation, physicochemical variation, residue mobility, and thermodynamic stability) has been performed for this missense variant. However, the output from this modeling did not meet the statistical confidence thresholds required to predict the impact of this variant on BRIP1 protein function. In summary, the available evidence is currently insufficient to determine the role of this variant in disease. Therefore, it has been classified as a Variant of Uncertain Significance.

Ambry Genetics
Classification: Uncertain significance for Hereditary cancer-predisposing syndrome. Last evaluated: 2024-12-20. Review status: criteria provided, single submitter. Criteria: Ambry Variant Classification Scheme 2023. Collection method: clinical testing. Allele origin: germline.
Comment: The p.V789L variant (also known as c.2365G>T), located in coding exon 15 of the BRIP1 gene, results from a G to T substitution at nucleotide position 2365. The valine at codon 789 is replaced by leucine, an amino acid with highly similar properties. This amino acid position is not well conserved in available vertebrate species. In addition, this alteration is predicted to be tolerated by in silico analysis. Based on the available evidence, the clinical significance of this variant remains unclear.

CeGaT Center for Human Genetics Tuebingen
Classification: Uncertain significance. Last evaluated: 2022-11-01. Review status: criteria provided, single submitter. Criteria: CeGaT Center For Human Genetics Tuebingen Variant Classification Criteria Version 2. Collection method: clinical testing. Allele origin: germline. Affected: yes. Observed: 1 variant allele.
Comment: BRIP1: PM2

Institute for Clinical Genetics, University Hospital TU Dresden, University Hospital TU Dresden
Classification: Uncertain significance. Last evaluated: 2021-11-03. Review status: criteria provided, single submitter. Criteria: ACMG Guidelines, 2015. Collection method: clinical testing. Allele origin: germline.

GeneDx
Classification: Uncertain significance. Last evaluated: 2015-10-27. Review status: criteria provided, single submitter. Criteria: GeneDx Variant Classification (06012015). Collection method: clinical testing. Allele origin: germline. Affected: yes.
Comment: This variant is denoted BRIP1 c.2365G>T at the cDNA level, p.Val789Leu (V789L) at the protein level, and results in the change of a Valine to a Leucine (GTG>TTG). This variant has not, to our knowledge, been published in the literature as pathogenic or benign. BRIP1 Val789Leu was not observed in approximately 6,500 individuals of European and African American ancestry in the NHLBI Exome Sequencing Project, suggesting it is not a common benign variant in these populations. Since Valine and Leucine share similar properties, this is considered a conservative amino acid substitution. BRIP1 Val789Leu occurs at a position that is conserved in mammals and is not located in a known functional domain (UniProt). In silico analyses are inconsistent regarding the effect this variant may have on protein structure and function. Based on currently available evidence, it is unclear whether BRIP1 Val789Leu is a pathogenic or benign variant. We consider it to be a variant of uncertain significance.